The following is an entry in ClinVar:

NM_000321.3(RB1):c.501-15T>G

Gene: RB1 (RB transcriptional corepressor 1; plus strand). Cytogenetic location: 13q14.2.
Variant type: single nucleotide variant.
Coding change: c.501-15T>G on transcript NM_000321.3 (MANE Select); 15 bases into the intron before coding-DNA position 501, T replaced by G.
Molecular consequence: intron variant.
Genome position (GRCh38, 1-based): chr13:48,347,810, T>G. VCF-style: chr13-48347810-T-G. GRCh37 (hg19) VCF-style: chr13-48921946-T-G.
Other names: c.501-15T>G (NM_001407165.1, NM_001407166.1).
Identifiers: ClinVar variation 3387557 (VCV003387557.2).

ClinVar aggregate classification (germline): Conflicting classifications of pathogenicity. Review status: criteria provided, conflicting classifications (1 of 4 stars). 2 submissions from 2 submitters: Likely pathogenic (1); Uncertain significance (1). Last evaluated 2024-09-23.

Conditions:
Retinoblastoma (RB1). Also called: RETINOBLASTOMA, SOMATIC. Identifiers: Orphanet 790, MedGen C0035335, MeSH D012175, MONDO:0008380, OMIM 180200, HP:0009919. Disease mechanism: loss of function. Inheritance: Both sporadic and heritable forms are tested..

gnomAD v4.1: 1 of 1,564,296 alleles (0.000064%); highest among the groups gnomAD compares: Non-Finnish European, 0.000088%; no homozygotes.

Submissions (2):

All of Us Research Program, National Institutes of Health
Classification: Uncertain significance for Retinoblastoma. Last evaluated: 2024-09-23. Review status: criteria provided, single submitter. Criteria: ACMG Guidelines, 2015. Collection method: clinical testing. Allele origin: germline. Inheritance: Autosomal dominant inheritance. Observed: 1 variant allele, 1 heterozygote.
Comment: This study involves interpretation of variants in research participants for the purpose of population health screening. Participant phenotype was not available at the time of variant classification. Additional details can be found in publication PMID: 35346344, PMCID: PMC8962531

Department of Pathology and Laboratory Medicine, Sinai Health System
Classification: Likely pathogenic for retinoblastoma. Review status: criteria provided, single submitter. Criteria: ACMG Guidelines, 2015. Collection method: clinical testing. Allele origin: germline.